The following is an entry in ClinVar:

NM_018026.4(PACS1):c.83C>G (p.Ser28Cys)

Gene: PACS1 (phosphofurin acidic cluster sorting protein 1; plus strand). Cytogenetic location: 11q13.1.
Variant type: single nucleotide variant.
Coding change: c.83C>G on transcript NM_018026.4 (MANE Select); coding-DNA position 83, C replaced by G.
Protein change: p.Ser28Cys; replaces serine 28 with cysteine.
Molecular consequence: missense variant.
Genome position (GRCh38, 1-based): chr11:66,070,569, C>G. VCF-style: chr11-66070569-C-G. GRCh37 (hg19) VCF-style: chr11-65838040-C-G.
Other names: c.83C>G (NM_018026.3); short protein forms S28C.
Identifiers: ClinVar variation 211816 (VCV000211816.12), dbSNP rs763294619, ClinGen allele CA209716.

ClinVar aggregate classification (germline): Conflicting classifications of pathogenicity. Review status: criteria provided, conflicting classifications (1 of 4 stars). 4 submissions from 4 submitters: Uncertain significance (1); Likely benign (2). 1 of the submissions does not count toward it. Last evaluated 2024-10-18.

Conditions:
PACS1-related disorder. Also called: PACS1-related condition.
Inborn genetic diseases. Identifiers: MedGen C0950123, MeSH D030342.

Allele frequency attached by ClinVar (database versions not stated): TOPMed 0.00002; gnomAD 0.00003 and 0.00012; gnomAD exomes 0.00069; 1000 Genomes Project 30x 0.00078; ExAC 0.00261.
gnomAD v4.1: 330 of 1,478,700 alleles (0.022%); highest among the groups gnomAD compares: South Asian, 0.33%; 1 homozygote.

Submissions (4):

Blueprint Genetics
Classification: Likely benign. Last evaluated: 2024-10-18. Review status: criteria provided, single submitter. Criteria: ACMG Guidelines, 2015. Collection method: clinical testing. Allele origin: germline.

Ambry Genetics
Classification: Likely benign for Inborn genetic diseases. Last evaluated: 2024-05-16. Review status: criteria provided, single submitter. Criteria: Ambry Variant Classification Scheme 2023. Collection method: clinical testing. Allele origin: germline.

Genetic Services Laboratory, University of Chicago
Classification: Uncertain significance. Last evaluated: 2015-07-21. Review status: criteria provided, single submitter. Criteria: ACMG Guidelines, 2015. Collection method: clinical testing. Allele origin: germline.

PreventionGenetics, part of Exact Sciences
Classification: Likely benign for PACS1-related condition. Last evaluated: 2019-09-26. Review status: no assertion criteria provided. Collection method: clinical testing. Allele origin: germline. Not counted in ClinVar's aggregate classification.
Comment: This variant is classified as likely benign based on ACMG/AMP sequence variant interpretation guidelines (Richards et al. 2015 PMID: 25741868, with internal and published modifications).